The following is an entry in ClinVar:

NM_153212.3(GJB4):c.64C>T (p.Arg22Cys)

Gene: GJB4 (gap junction protein beta 4; plus strand). Cytogenetic location: 1p34.3.
Variant type: single nucleotide variant.
Coding change: c.64C>T on transcript NM_153212.3 (MANE Select); coding-DNA position 64, C replaced by T.
Protein change: p.Arg22Cys; replaces arginine 22 with cysteine.
Molecular consequence: missense variant.
Genome position (GRCh38, 1-based): chr1:34,761,318, C>T. VCF-style: chr1-34761318-C-T. GRCh37 (hg19) VCF-style: chr1-35226919-C-T.
Other names: short protein forms R22C.
Identifiers: ClinVar variation 3340337 (VCV003340337.2).

ClinVar aggregate classification (germline): Uncertain significance. Review status: criteria provided, multiple submitters, no conflicts (2 of 4 stars). 2 submissions from 2 submitters: Uncertain significance (2). Last evaluated 2024-07-26.

Conditions:
Erythrokeratodermia variabilis et progressiva 2 (EKVP2). Identifiers: MedGen C4479618, MONDO:0033012, OMIM 617524.

gnomAD v4.1: 44 of 1,613,926 alleles (0.0027%); highest among the groups gnomAD compares: East Asian, 0.025%; no homozygotes.

Submissions (2):

3billion
Classification: Uncertain significance for Erythrokeratodermia variabilis et progressiva 2. Last evaluated: 2024-07-26. Review status: criteria provided, single submitter. Criteria: ACMG Guidelines, 2015. Collection method: clinical testing. Allele origin: germline. Affected: yes.
Comment: The variant is observed at an extremely low frequency in the gnomAD v4.0.0 dataset (total allele frequency: 0.003%). Predicted Consequence/Location: Missense changes are a common disease-causing mechanism. In silico tool predictions suggest damaging effect of the variant on gene or gene product [REVEL: 0.93 (>=0.6, sensitivity 0.68 and specificity 0.92)]. A different missense change at the same codon (p.Arg22His) has been reported to be associated with GJB4 related disorder (ClinVar ID: VCV000005008 /PMID: 12648223). However the evidence of pathogenicity is insufficient at this time. Therefore, this variant is classified as VUS according to the recommendation of ACMG/AMP guideline.

GeneDx
Classification: Uncertain significance. Last evaluated: 2024-01-24. Review status: criteria provided, single submitter. Criteria: GeneDx Variant Classification Process June 2021. Collection method: clinical testing. Allele origin: germline. Affected: yes.
Comment: Observed without a second GJB4 variant in a patient with nonsyndromic hearing loss and no reported skin issues in the published literature (PMID: 17259707); In silico analysis supports that this missense variant has a deleterious effect on protein structure/function; This variant is associated with the following publications: (PMID: 34426522, 33126609, Alikhani2015[paper], 20184948, 20593197, 25333454, 17259707)

Literature cited by the submitters: PubMed 17259707 (cited by 3billion); PubMed 12648223 (cited by 3billion).